The following is an entry in ClinVar:

ClinVar aggregate classification (germline): Uncertain significance. Review status: criteria provided, multiple submitters, no conflicts (2 of 4 stars). 4 submissions from 4 submitters: Uncertain significance (4). Last evaluated 2024-09-09.

Conditions:
Inborn genetic diseases. Identifiers: MedGen C0950123, MeSH D030342.

Allele frequency attached by ClinVar (database versions not stated): gnomAD exomes 0.00006; TOPMed 0.00006; ExAC 0.00007; gnomAD 0.00007.
gnomAD v4.1: 97 of 1,614,184 alleles (0.006%); highest among the groups gnomAD compares: South Asian, 0.023%; 1 homozygote.

Submissions (4):

Ambry Genetics
Classification: Uncertain significance for Inborn genetic diseases. Last evaluated: 2024-09-09. Review status: criteria provided, single submitter. Criteria: Ambry Variant Classification Scheme 2023. Collection method: clinical testing. Allele origin: germline.

Labcorp Genetics (formerly Invitae), Labcorp
Classification: Uncertain significance. Last evaluated: 2024-03-23. Review status: criteria provided, single submitter. Criteria: Invitae Variant Classification Sherloc (09022015). Collection method: clinical testing. Allele origin: germline.
Comment: This sequence change replaces arginine, which is basic and polar, with glutamine, which is neutral and polar, at codon 100 of the HEPACAM protein (p.Arg100Gln). This variant is present in population databases (rs775135709, gnomAD 0.02%). This variant has not been reported in the literature in individuals affected with HEPACAM-related conditions. ClinVar contains an entry for this variant (Variation ID: 2190262). Advanced modeling of protein sequence and biophysical properties (such as structural, functional, and spatial information, amino acid conservation, physicochemical variation, residue mobility, and thermodynamic stability) performed at Invitae indicates that this missense variant is not expected to disrupt HEPACAM protein function with a negative predictive value of 80%. In summary, the available evidence is currently insufficient to determine the role of this variant in disease. Therefore, it has been classified as a Variant of Uncertain Significance.

Blueprint Genetics
Classification: Uncertain significance. Last evaluated: 2023-11-17. Review status: criteria provided, single submitter. Criteria: ACMG Guidelines, 2015. Collection method: clinical testing. Allele origin: germline.

CeGaT Center for Human Genetics Tuebingen
Classification: Uncertain significance. Last evaluated: 2023-09-01. Review status: criteria provided, single submitter. Criteria: CeGaT Center For Human Genetics Tuebingen Variant Classification Criteria Version 2. Collection method: clinical testing. Allele origin: germline. Affected: yes. Observed: 1 variant allele.
Comment: HEPACAM: PM2, BP4

NM_152722.5(HEPACAM):c.299G>A (p.Arg100Gln)

Gene: HEPACAM (hepatic and glial cell adhesion molecule; minus strand). Cytogenetic location: 11q24.2.
Variant type: single nucleotide variant.
Coding change: c.299G>A on transcript NM_152722.5 (MANE Select); coding-DNA position 299, G replaced by A.
Protein change: p.Arg100Gln; replaces arginine 100 with glutamine.
Molecular consequence: missense variant.
Genome position (GRCh38, 1-based): chr11:124,924,856, C>T on the plus strand (G>A on the coding strand, the complement: HEPACAM is on the minus strand). VCF-style: chr11-124924856-C-T. GRCh37 (hg19) VCF-style: chr11-124794752-C-T.
Other names: c.299G>A (NM_152722.4); c.299G>A, p.Arg100Gln (NM_001411043.1); short protein forms R100Q.
Identifiers: ClinVar variation 2190262 (VCV002190262.30), dbSNP rs775135709, ClinGen allele CA6345772.